The following is an entry in ClinVar:

ClinVar aggregate classification (germline): Likely benign (1 of 4 stars; one submission).

gnomAD v4.1: 109 of 1,614,056 alleles (0.0068%); highest among the groups gnomAD compares: Non-Finnish European, 0.0087%; no homozygotes.

Submission:

CeGaT Center for Human Genetics Tuebingen
Classification: Likely benign. Last evaluated: 2026-08-01. Review status: criteria provided, single submitter. Criteria: CeGaT Center For Human Genetics Tuebingen Variant Classification Criteria Version 2. Collection method: clinical testing. Allele origin: germline. Affected: yes. Observed: 1 variant allele.
Comment: CHD3: BP4, BP7

NM_001005273.3(CHD3):c.1776C>T (p.Pro592=)

Gene: CHD3 (chromodomain helicase DNA binding protein 3; plus strand). Cytogenetic location: 17p13.1.
Variant type: single nucleotide variant.
Coding change: c.1776C>T on transcript NM_001005273.3 (MANE Select); coding-DNA position 1776, C replaced by T.
Protein change: p.Pro592=; no amino-acid change (proline 592 retained).
Molecular consequence: synonymous variant.
Genome position (GRCh38, 1-based): chr17:7,897,151, C>T. VCF-style: chr17-7897151-C-T. GRCh37 (hg19) VCF-style: chr17-7800469-C-T.
Other names: c.1953C>T, p.Pro651= (NM_001005271.3, NM_001437504.1); c.1941C>T, p.Pro647= (NM_001437507.1, NM_001437508.1, NM_001437509.1); c.1776C>T, p.Pro592= (NM_005852.4).
Identifiers: ClinVar variation 5038595 (VCV005038595.1).